The following is an entry in ClinVar:

NM_000395.3(CSF2RB):c.1404C>G (p.Tyr468Ter)

Gene: CSF2RB (colony stimulating factor 2 receptor subunit beta; plus strand). Cytogenetic location: 22q12.3.
Variant type: single nucleotide variant.
Coding change: c.1404C>G on transcript NM_000395.3 (MANE Select); coding-DNA position 1404, C replaced by G.
Protein change: p.Tyr468Ter; replaces tyrosine 468 with a stop codon.
Molecular consequence: nonsense.
Genome position (GRCh38, 1-based): chr22:36,935,439, C>G. VCF-style: chr22-36935439-C-G. GRCh37 (hg19) VCF-style: chr22-37331481-C-G.
Other names: c.1422C>G, p.Tyr474Ter (NM_001410827.1); short protein forms Y468*, Y474*.
Identifiers: ClinVar variation 2033867 (VCV002033867.4), dbSNP rs2518002796, ClinGen allele CA411409346.

ClinVar aggregate classification (germline): Uncertain significance (1 of 4 stars; one submission).

Submission:

Labcorp Genetics (formerly Invitae), Labcorp
Classification: Uncertain significance. Last evaluated: 2022-10-03. Review status: criteria provided, single submitter. Criteria: Invitae Variant Classification Sherloc (09022015). Collection method: clinical testing. Allele origin: germline.
Comment: Experimental studies and prediction algorithms are not available or were not evaluated, and the functional significance of this variant is currently unknown. This variant has not been reported in the literature in individuals affected with CSF2RB-related conditions. This variant is not present in population databases (gnomAD no frequency). This sequence change creates a premature translational stop signal (p.Tyr468*) in the CSF2RB gene. It is expected to result in an absent or disrupted protein product. However, the current clinical and genetic evidence is not sufficient to establish whether loss-of-function variants in CSF2RB cause disease. In summary, the available evidence is currently insufficient to determine the role of this variant in disease. Therefore, it has been classified as a Variant of Uncertain Significance.